The following is an entry in ClinVar:

NM_001369268.1(ACAN):c.7562G>A (p.Arg2521His)

Gene: ACAN (aggrecan; plus strand). Cytogenetic location: 15q26.1.
Variant type: single nucleotide variant.
Coding change: c.7562G>A on transcript NM_001369268.1 (MANE Select); coding-DNA position 7562, G replaced by A.
Protein change: p.Arg2521His; replaces arginine 2521 with histidine.
Molecular consequence: missense variant. On other transcripts: intron variant (1).
Genome position (GRCh38, 1-based): chr15:88,873,956, G>A. VCF-style: chr15-88873956-G-A. GRCh37 (hg19) VCF-style: chr15-89417187-G-A.
Other names: c.7334G>A, p.Arg2445His (NM_001411096.1); c.7448G>A, p.Arg2483His (NM_001411097.1, NM_013227.4); c.7220-449G>A (NM_001135.4); short protein forms R2483H, R2445H, R2521H.
Identifiers: ClinVar variation 2152804 (VCV002152804.4), dbSNP rs368796568, ClinGen allele CA7720725.

ClinVar aggregate classification (germline): Uncertain significance (1 of 4 stars; one submission).

Allele frequency attached by ClinVar (database versions not stated): ExAC 0.00003; gnomAD exomes 0.00003; gnomAD 0.00007; TOPMed 0.00007; ESP Exome Variant Server 0.00008.
gnomAD v4.1: 56 of 1,613,284 alleles (0.0035%); highest among the groups gnomAD compares: African/African-American, 0.012%; no homozygotes.

Submission:

Labcorp Genetics (formerly Invitae), Labcorp
Classification: Uncertain significance. Last evaluated: 2025-09-15. Review status: criteria provided, single submitter. Criteria: Invitae Variant Classification Sherloc (09022015). Collection method: clinical testing. Allele origin: germline.
Comment: This sequence change replaces arginine, which is basic and polar, with histidine, which is basic and polar, at codon 2483 of the ACAN protein (p.Arg2483His). This variant is present in population databases (rs368796568, gnomAD 0.04%). This variant has not been reported in the literature in individuals affected with ACAN-related conditions. ClinVar contains an entry for this variant (Variation ID: 2152804). An algorithm developed to predict the effect of missense changes on protein structure and function (PolyPhen-2) suggests that this variant is likely to be disruptive. In summary, the available evidence is currently insufficient to determine the role of this variant in disease. Therefore, it has been classified as a Variant of Uncertain Significance.